The following is an entry in ClinVar:

ClinVar aggregate classification (germline): Uncertain significance. Review status: criteria provided, multiple submitters, no conflicts (2 of 4 stars). 2 submissions from 2 submitters: Uncertain significance (2). Last evaluated 2025-12-22.

Allele frequency attached by ClinVar (database versions not stated): gnomAD 0.00004; ExAC 0.00005; gnomAD exomes 0.00005; TOPMed 0.00003; ESP Exome Variant Server 0.00015; 1000 Genomes Project 0.00020; 1000 Genomes Project 30x 0.00031.
gnomAD v4.1: 71 of 1,595,462 alleles (0.0045%); highest among the groups gnomAD compares: Non-Finnish European, 0.0058%; no homozygotes.

Submissions (2):

Labcorp Genetics (formerly Invitae), Labcorp
Classification: Uncertain significance. Last evaluated: 2025-12-22. Review status: criteria provided, single submitter. Criteria: Invitae Variant Classification Sherloc (09022015). Collection method: clinical testing. Allele origin: germline.
Comment: This sequence change replaces leucine, which is neutral and non-polar, with phenylalanine, which is neutral and non-polar, at codon 2710 of the FBN3 protein (p.Leu2710Phe). This variant is present in population databases (rs139990648, gnomAD 0.009%). This variant has not been reported in the literature in individuals affected with FBN3-related conditions. ClinVar contains an entry for this variant (Variation ID: 2331260). An algorithm developed to predict the effect of missense changes on protein structure and function (PolyPhen-2) suggests that this variant is likely to be disruptive. In summary, the available evidence is currently insufficient to determine the role of this variant in disease. Therefore, it has been classified as a Variant of Uncertain Significance.

Ambry Genetics
Classification: Uncertain significance. Last evaluated: 2025-08-08. Review status: criteria provided, single submitter. Criteria: Ambry Variant Classification Scheme 2023. Collection method: clinical testing. Allele origin: germline.

NM_032447.5(FBN3):c.8130G>C (p.Leu2710Phe)

Gene: FBN3 (fibrillin 3; minus strand). Cytogenetic location: 19p13.2.
Variant type: single nucleotide variant.
Coding change: c.8130G>C on transcript NM_032447.5 (MANE Select); coding-DNA position 8130, G replaced by C.
Protein change: p.Leu2710Phe; replaces leucine 2710 with phenylalanine.
Molecular consequence: missense variant.
Genome position (GRCh38, 1-based): chr19:8,066,219, C>G on the plus strand (G>C on the coding strand, the complement: FBN3 is on the minus strand). VCF-style: chr19-8066219-C-G. GRCh37 (hg19) VCF-style: chr19-8131103-C-G.
Other names: c.8130G>C, p.Leu2710Phe (NM_001321431.2); short protein forms L2710F.
Identifiers: ClinVar variation 2331260 (VCV002331260.4), dbSNP rs139990648, ClinGen allele CA9150627.